The following is an entry in ClinVar:

NM_001136193.2(FASTKD2):c.1690C>T (p.Gln564Ter)

Gene: FASTKD2 (FAST kinase domains 2; plus strand). Cytogenetic location: 2q33.3.
Variant type: single nucleotide variant.
Coding change: c.1690C>T on transcript NM_001136193.2 (MANE Select); coding-DNA position 1690, C replaced by T.
Protein change: p.Gln564Ter; replaces glutamine 564 with a stop codon.
Molecular consequence: nonsense.
Genome position (GRCh38, 1-based): chr2:206,788,032, C>T. VCF-style: chr2-206788032-C-T. GRCh37 (hg19) VCF-style: chr2-207652756-C-T.
Other names: c.1690C>T, p.Gln564Ter (NM_001136194.2, NM_014929.4); short protein forms Q564*.
Identifiers: ClinVar variation 561009 (VCV000561009.3), dbSNP rs755068980, ClinGen allele CA2075237.

ClinVar aggregate classification (germline): Pathogenic/Likely pathogenic. Review status: criteria provided, multiple submitters, no conflicts (2 of 4 stars). 2 submissions from 2 submitters: Pathogenic (1); Likely pathogenic (1). Last evaluated 2024-03-12.

Conditions:
Combined oxidative phosphorylation deficiency 44. Also called: FASTKD2-Related Combined Oxidative Phosphorylation Deficiency. Identifiers: MedGen C5394293, MONDO:0030020, OMIM 618855.
Mitochondrial complex IV deficiency, nuclear type 1 (MC4DN1). Also called: Mitochondrial complex IV deficiency; Complex 4 mitochondrial respiratory chain deficiency; Deficiency of mitochondrial respiratory chain complex4; Complex IV deficiency; COX DEFICIENCY. Identifiers: MedGen C5435656, MONDO:0700250, OMIM 220110. Disease mechanism: loss of function.

Allele frequency attached by ClinVar (database versions not stated): ExAC 0.00001; gnomAD 0.00001; gnomAD exomes 0.00001; TOPMed 0.00001.
gnomAD v4.1: 4 of 1,613,546 alleles (0.00025%); highest among the groups gnomAD compares: Admixed American, 0.005%; no homozygotes.

Submissions (2):

Fulgent Genetics
Classification: Likely pathogenic for Combined oxidative phosphorylation deficiency 44. Last evaluated: 2024-03-12. Review status: criteria provided, single submitter. Criteria: ACMG Guidelines, 2015. Collection method: clinical testing. Allele origin: germline.

Baylor Genetics
Classification: Pathogenic for Mitochondrial complex IV deficiency, nuclear type 1. Last evaluated: 2017-09-01. Review status: criteria provided, single submitter. Criteria: ACMG Guidelines, 2015. Collection method: clinical testing. Allele origin: germline. Inheritance: Autosomal recessive inheritance. Affected: yes.
Comment: This nonsense mutation is categorized as deleterious according to ACMG guidelines (PMID:18414213).

Literature cited by the submitters: PubMed 25326635 (cited by Baylor Genetics).